The following is an entry in ClinVar:

ClinVar aggregate classification (germline): Uncertain significance (1 of 4 stars; one submission).

Conditions:
Symmetrical dyschromatosis of extremities (DSH). Also called: RETICULATE ACROPIGMENTATION OF DOHI; SYMMETRIC DYSCHROMATOSIS OF THE EXTREMITIES; Dyschromatosis symmetrica hereditaria; DYSCHROMATOSIS SYMMETRICA HEREDITARIA 1. Identifiers: Orphanet 41, MedGen C0406775, MONDO:0007483, OMIM 127400.
Aicardi-Goutieres syndrome 6 (AGS6). Identifiers: Orphanet 51, MedGen C3539013, MONDO:0014007, OMIM 615010.

Submission:

Labcorp Genetics (formerly Invitae), Labcorp
Classification: Uncertain significance for Aicardi-Goutieres syndrome 6; Symmetrical dyschromatosis of extremities. Last evaluated: 2022-09-09. Review status: criteria provided, single submitter. Criteria: Invitae Variant Classification Sherloc (09022015). Collection method: clinical testing. Allele origin: germline.
Comment: In summary, the available evidence is currently insufficient to determine the role of this variant in disease. Therefore, it has been classified as a Variant of Uncertain Significance. Advanced modeling of protein sequence and biophysical properties (such as structural, functional, and spatial information, amino acid conservation, physicochemical variation, residue mobility, and thermodynamic stability) has been performed at Invitae for this missense variant, however the output from this modeling did not meet the statistical confidence thresholds required to predict the impact of this variant on ADAR protein function. This variant has not been reported in the literature in individuals affected with ADAR-related conditions. This variant is not present in population databases (gnomAD no frequency). This sequence change replaces histidine, which is basic and polar, with tyrosine, which is neutral and polar, at codon 958 of the ADAR protein (p.His958Tyr).

NM_001111.5(ADAR):c.2872C>T (p.His958Tyr)

Gene: ADAR (adenosine deaminase RNA specific; minus strand). Cytogenetic location: 1q21.3.
Variant type: single nucleotide variant.
Coding change: c.2872C>T on transcript NM_001111.5 (MANE Select); coding-DNA position 2872, C replaced by T.
Protein change: p.His958Tyr; replaces histidine 958 with tyrosine.
Molecular consequence: missense variant.
Genome position (GRCh38, 1-based): chr1:154,588,564, G>A on the plus strand (C>T on the coding strand, the complement: ADAR is on the minus strand). VCF-style: chr1-154588564-G-A. GRCh37 (hg19) VCF-style: chr1-154561040-G-A.
Other names: c.1987C>T, p.His663Tyr (NM_001025107.3, NM_001193495.2, NM_001365046.1 and 2 more transcripts); c.2899C>T, p.His967Tyr (NM_001365045.1); c.1909C>T, p.His637Tyr (NM_001365049.1); c.2794C>T, p.His932Tyr (NM_015840.4); c.2737C>T, p.His913Tyr (NM_015841.4); short protein forms H967Y, H663Y, H958Y, H932Y, H637Y, H913Y.
Identifiers: ClinVar variation 2088090 (VCV002088090.4), dbSNP rs2526492862, ClinGen allele CA342636254.
Genomic context (GRCh38, chr1:154,588,564, plus strand): 5'-AACAGCCTGGCAGGGCCCACCCTGGCAGCAACAGGAACTGTACAGACCTGATATACAGAT[G>A]GAATGACACAGTCTTTTTTATTTGGAGCTTTTCTCCTCCCTTAGCAGGTTCAAATATACT-3'
Protein context (NP_001102.3, residues 948-968): KLQIKKTVSF[His958Tyr]LYISTAPCGD